The following is an entry in ClinVar:

NM_001386393.1(PANK2):c.-20A>C

Genes: PANK2 (pantothenate kinase 2; plus strand), LOC130065345 (ATAC-STARR-seq lymphoblastoid silent region 12635; plus strand). Cytogenetic location: 20p13.
Variant type: single nucleotide variant.
Coding change: c.-20A>C on transcript NM_001386393.1 (MANE Select); 20 bases upstream of the start codon, A replaced by C.
Molecular consequence: 5 prime UTR variant. On other transcripts: missense variant (2), non-coding transcript variant (1), intron variant (1).
Genome position (GRCh38, 1-based): chr20:3,889,411, A>C. VCF-style: chr20-3889411-A-C. GRCh37 (hg19) VCF-style: chr20-3870058-A-C.
Other names: c.-731A>C (NM_001324191.2); c.311A>C, p.Glu104Ala (NM_001324192.1, NM_153638.4); c.-246+507A>C (NM_024960.6); short protein forms E104A.
Identifiers: ClinVar variation 1399457 (VCV001399457.5), dbSNP rs748780222, ClinGen allele CA9750541.
Genomic context (GRCh38, chr20:3,889,411, plus strand): 5'-GCAACGGAAGAGGCGGCCGGCCGAGGGCGCGCCTCTGCTCTGGCTGGACTGCCGCGGAGG[A>C]GGCGAGAAGGAATCCGACGCTGGGGGGCTTGCTCGGGCGGCAGCGACTGCTGCTGCGGAT-3'

ClinVar aggregate classification (germline): Uncertain significance (1 of 4 stars; one submission).

Conditions:
Pigmentary pallidal degeneration (NBIA1). Also called: Neuroaxonal dystrophy, late infantile; Hallervorden-Spatz disease; PKAN NEUROAXONAL DYSTROPHY, JUVENILE-ONSET; HARP SYNDROME; Pantothenate Kinase-Associated Neurodegeneration; Neurodegeneration with brain iron accumulation 1. Identifiers: Orphanet 157850, MedGen C0018523, MONDO:0009319, OMIM 234200.

Allele frequency attached by ClinVar (database versions not stated): gnomAD exomes below 0.00001 and 0.00001; ExAC 0.00004.
gnomAD v4.1: 2 of 1,570,284 alleles (0.00013%); highest among the groups gnomAD compares: Middle Eastern, 0.017%; no homozygotes.

Submission:

Labcorp Genetics (formerly Invitae), Labcorp
Classification: Uncertain significance for Pigmentary pallidal degeneration. Last evaluated: 2022-06-05. Review status: criteria provided, single submitter. Criteria: Invitae Variant Classification Sherloc (09022015). Collection method: clinical testing. Allele origin: germline.
Comment: This sequence change replaces glutamic acid, which is acidic and polar, with alanine, which is neutral and non-polar, at codon 104 of the PANK2 protein (p.Glu104Ala). This variant is present in population databases (rs748780222, gnomAD 0.001%). This variant has not been reported in the literature in individuals affected with PANK2-related conditions. ClinVar contains an entry for this variant (Variation ID: 1399457). Algorithms developed to predict the effect of missense changes on protein structure and function output the following: SIFT: "Deleterious"; PolyPhen-2: "Benign"; Align-GVGD: "Class C0". The alanine amino acid residue is found in multiple mammalian species, which suggests that this missense change does not adversely affect protein function. In summary, the available evidence is currently insufficient to determine the role of this variant in disease. Therefore, it has been classified as a Variant of Uncertain Significance.